The following is an entry in ClinVar:

NM_000038.6(APC):c.737C>T (p.Ser246Phe)

Gene: APC (APC regulator of Wnt signaling pathway; plus strand). Cytogenetic location: 5q22.2.
Variant type: single nucleotide variant.
Coding change: c.737C>T on transcript NM_000038.6 (MANE Select); coding-DNA position 737, C replaced by T.
Protein change: p.Ser246Phe; replaces serine 246 with phenylalanine.
Molecular consequence: missense variant. On other transcripts: 5 prime UTR variant (1).
Genome position (GRCh38, 1-based): chr5:112,801,286, C>T. VCF-style: chr5-112801286-C-T. GRCh37 (hg19) VCF-style: chr5-112136983-C-T.
Other names: c.737C>T, p.Ser246Phe (NM_001127510.3, NM_001354895.2, NM_001354896.2 and 1 more transcripts); c.683C>T, p.Ser228Phe (NM_001127511.3); c.767C>T, p.Ser256Phe (NM_001354897.2, NM_001354902.2); c.662C>T, p.Ser221Phe (NM_001354898.2, NM_001354904.2); c.653C>T, p.Ser218Phe (NM_001354899.2); c.560C>T, p.Ser187Phe (NM_001354900.2, NM_001354901.2, NM_001354905.2); c.-299C>T (NM_001354906.2); short protein forms S218F, S187F, S221F, S246F, S256F, S228F.
Identifiers: ClinVar variation 802133 (VCV000802133.10), dbSNP rs754667638, ClinGen allele CA047850.

ClinVar aggregate classification (germline): Uncertain significance. Review status: criteria provided, multiple submitters, no conflicts (2 of 4 stars). 4 submissions from 4 submitters: Uncertain significance (4). Last evaluated 2025-01-13.

Conditions:
Familial adenomatous polyposis 1 (FAP1). Also called: POLYPOSIS, ADENOMATOUS INTESTINAL; FAMILIAL ADENOMATOUS POLYPOSIS 1, ATTENUATED. Identifiers: MedGen C2713442, MONDO:0021056, OMIM 175100. Disease mechanism: loss of function.
Hereditary cancer-predisposing syndrome. Also called: Tumor predisposition; Neoplastic Syndromes, Hereditary; Hereditary Cancer Syndrome; Hereditary neoplastic syndrome. Identifiers: Orphanet 140162, MedGen C0027672, MeSH D009386, MONDO:0015356.

Allele frequency attached by ClinVar (database versions not stated): gnomAD exomes 0.00001; ExAC 0.00002.
gnomAD v4.1: 3 of 1,612,448 alleles (0.00019%); highest among the groups gnomAD compares: Non-Finnish European, 0.00025%; no homozygotes.

Submissions (4):

Ambry Genetics
Classification: Uncertain significance for Hereditary cancer-predisposing syndrome. Last evaluated: 2025-01-13. Review status: criteria provided, single submitter. Criteria: Ambry Variant Classification Scheme 2023. Collection method: clinical testing. Allele origin: germline.
Comment: The p.S246F variant (also known as c.737C>T), located in coding exon 7 of the APC gene, results from a C to T substitution at nucleotide position 737. The serine at codon 246 is replaced by phenylalanine, an amino acid with highly dissimilar properties. This amino acid position is not well conserved in available vertebrate species. In addition, in silico predictors for this gene do not accurately predict pathogenicity. Based on the available evidence, the clinical significance of this variant remains unclear.

Labcorp Genetics (formerly Invitae), Labcorp
Classification: Uncertain significance for Familial adenomatous polyposis 1. Last evaluated: 2024-07-24. Review status: criteria provided, single submitter. Criteria: Invitae Variant Classification Sherloc (09022015). Collection method: clinical testing. Allele origin: germline.
Comment: This sequence change replaces serine, which is neutral and polar, with phenylalanine, which is neutral and non-polar, at codon 246 of the APC protein (p.Ser246Phe). This variant is present in population databases (rs754667638, gnomAD 0.002%). This variant has not been reported in the literature in individuals affected with APC-related conditions. ClinVar contains an entry for this variant (Variation ID: 802133). Advanced modeling of protein sequence and biophysical properties (such as structural, functional, and spatial information, amino acid conservation, physicochemical variation, residue mobility, and thermodynamic stability) performed at Invitae indicates that this missense variant is not expected to disrupt APC protein function with a negative predictive value of 95%. In summary, the available evidence is currently insufficient to determine the role of this variant in disease. Therefore, it has been classified as a Variant of Uncertain Significance.

Color Diagnostics, LLC DBA Color Health
Classification: Uncertain significance for Hereditary cancer-predisposing syndrome. Last evaluated: 2023-12-04. Review status: criteria provided, single submitter. Criteria: ACMG Guidelines, 2015. Collection method: clinical testing. Allele origin: germline.
Comment: This missense variant replaces serine with phenylalanine at codon 246 of the APC protein. Computational prediction suggests that this variant may not impact protein structure and function (internally defined REVEL score threshold <= 0.5, PMID: 27666373). To our knowledge, functional studies have not been reported for this variant. This variant has not been reported in individuals affected with APC-related disorders in the literature. This variant has been identified in 2/250736 chromosomes in the general population by the Genome Aggregation Database (gnomAD). The available evidence is insufficient to determine the role of this variant in disease conclusively. Therefore, this variant is classified as a Variant of Uncertain Significance.

Mendelics
Classification: Uncertain significance for Familial adenomatous polyposis 1. Last evaluated: 2019-05-28. Review status: criteria provided, single submitter. Criteria: Mendelics Assertion Criteria 2017. Collection method: clinical testing. Allele origin: unknown.